The following is an entry in ClinVar:

ClinVar aggregate classification (germline): Conflicting classifications of pathogenicity. Review status: criteria provided, conflicting classifications (1 of 4 stars). 2 submissions from 2 submitters: Uncertain significance (1); Likely benign (1). Last evaluated 2025-05-07.

Conditions:
Hereditary cancer-predisposing syndrome. Also called: Hereditary neoplastic syndrome; Neoplastic Syndromes, Hereditary; Tumor predisposition; Hereditary Cancer Syndrome. Identifiers: Orphanet 140162, MedGen C0027672, MeSH D009386, MONDO:0015356.
Hereditary breast ovarian cancer syndrome. Also called: Hereditary breast and/or ovarian cancer syndrome; Hereditary breast and ovarian cancer syndrome; Hereditary breast and ovarian cancer syndrome (HBOC); Breast and ovarian cancer; BRCA1- and BRCA2-Associated Hereditary Breast and Ovarian Cancer; Hereditary breast and ovarian cancer. Identifiers: Orphanet 145, MedGen C0677776, MeSH D061325, MONDO:0003582. Disease mechanism: loss of function.

Submissions (2):

Ambry Genetics
Classification: Likely benign for Hereditary cancer-predisposing syndrome. Last evaluated: 2025-05-07. Review status: criteria provided, single submitter. Criteria: Ambry Variant Classification Scheme 2023. Collection method: clinical testing. Allele origin: germline.

Labcorp Genetics (formerly Invitae), Labcorp
Classification: Uncertain significance for Hereditary breast ovarian cancer syndrome. Last evaluated: 2020-02-17. Review status: criteria provided, single submitter. Criteria: Invitae Variant Classification Sherloc (09022015). Collection method: clinical testing. Allele origin: germline.
Comment: This sequence change replaces arginine with leucine at codon 1443 of the BRCA1 protein (p.Arg1443Leu). The arginine residue is weakly conserved and there is a moderate physicochemical difference between arginine and leucine. In summary, the available evidence is currently insufficient to determine the role of this variant in disease. Therefore, it has been classified as a Variant of Uncertain Significance. Algorithms developed to predict the effect of missense changes on protein structure and function output the following: SIFT: "Tolerated"; PolyPhen-2: "Benign"; Align-GVGD: "Class C0". The leucine amino acid residue is found in multiple mammalian species, suggesting that this missense change does not adversely affect protein function. These predictions have not been confirmed by published functional studies and their clinical significance is uncertain. This variant has not been reported in the literature in individuals with BRCA1-related conditions. This variant is not present in population databases (ExAC no frequency).

NM_007294.4(BRCA1):c.4328G>T (p.Arg1443Leu)

Gene: BRCA1 (BRCA1 DNA repair associated; minus strand). Cytogenetic location: 17q21.31.
Variant type: single nucleotide variant.
Coding change: c.4328G>T on transcript NM_007294.4 (MANE Select); coding-DNA position 4328, G replaced by T.
Protein change: p.Arg1443Leu; replaces arginine 1443 with leucine.
Molecular consequence: missense variant. On other transcripts: non-coding transcript variant (1).
Genome position (GRCh38, 1-based): chr17:43,082,433, C>A on the plus strand (G>T on the coding strand, the complement: BRCA1 is on the minus strand). VCF-style: chr17-43082433-C-A. GRCh37 (hg19) VCF-style: chr17-41234450-C-A.
Other names: c.4328G>T, p.Arg1443Leu (NM_001407854.1, NM_001407858.1, NM_001407859.1 and 23 more transcripts); c.4325G>T, p.Arg1442Leu (NM_001407860.1, NM_001407861.1, NM_001407587.1 and 21 more transcripts); c.4127G>T, p.Arg1376Leu (NM_001407862.1); c.4205G>T, p.Arg1402Leu (NM_001407863.1, NM_001407919.1, NM_001407648.1 and 13 more transcripts); c.4124G>T, p.Arg1375Leu (NM_001407874.1, NM_001407875.1); c.4118G>T, p.Arg1373Leu (NM_001407879.1, NM_001407881.1, NM_001407882.1 and 9 more transcripts); c.4115G>T, p.Arg1372Leu (NM_001407894.1, NM_001407895.1, NM_001407896.1 and 12 more transcripts); c.4064G>T, p.Arg1355Leu (NM_001407920.1, NM_001407921.1, NM_001407922.1 and 7 more transcripts); and 51 more; short protein forms R1396L, R1443L, R340L, R1331L, R1353L, R1373L, R1375L, R1402L.
Identifiers: ClinVar variation 1003150 (VCV001003150.14), dbSNP rs4986849, ClinGen allele CA10593067.